The following is an entry in ClinVar:

NM_006514.4(SCN10A):c.5611A>G (p.Met1871Val)

Gene: SCN10A (sodium voltage-gated channel alpha subunit 10; minus strand). Cytogenetic location: 3p22.2.
Variant type: single nucleotide variant.
Coding change: c.5611A>G on transcript NM_006514.4 (MANE Select); coding-DNA position 5611, A replaced by G.
Protein change: p.Met1871Val; replaces methionine 1871 with valine.
Molecular consequence: missense variant.
Genome position (GRCh38, 1-based): chr3:38,697,609, T>C on the plus strand (A>G on the coding strand, the complement: SCN10A is on the minus strand). VCF-style: chr3-38697609-T-C. GRCh37 (hg19) VCF-style: chr3-38739100-T-C.
Other names: c.5608A>G, p.Met1870Val (NM_001293306.2); c.5317A>G, p.Met1773Val (NM_001293307.2); short protein forms M1870V, M1773V, M1871V.
Identifiers: ClinVar variation 1748635 (VCV001748635.2), dbSNP rs2470549534, ClinGen allele CA352152752.
Genomic context (GRCh38, chr3:38,697,609, plus strand): 5'-CTGGGAGTGATGCAGCCTCCTCCTCAGCTCTGGGCACACATGGGGTGTTAGAGAGTGCCA[T>C]GGAGCGGTGCAGCACATAGCTCCGATAGGCCTTTTGAATGACAGTGGCTGAAATGTCTTC-3'
Protein context (NP_006505.4, residues 1861-1881): AYRSYVLHRS[Met1871Val]ALSNTPCVPR

ClinVar aggregate classification (germline): Uncertain significance (1 of 4 stars; one submission).

Conditions:
Cardiovascular phenotype. Identifiers: MedGen CN230736.

Allele frequency attached by ClinVar (database versions not stated): gnomAD exomes below 0.00001.

Submission:

Ambry Genetics
Classification: Uncertain significance for Cardiovascular phenotype. Last evaluated: 2021-08-10. Review status: criteria provided, single submitter. Criteria: Ambry Variant Classification Scheme 2023. Collection method: clinical testing. Allele origin: germline.
Comment: The p.M1871V variant (also known as c.5611A>G), located in coding exon 27 of the SCN10A gene, results from an A to G substitution at nucleotide position 5611. The methionine at codon 1871 is replaced by valine, an amino acid with highly similar properties. This amino acid position is conserved. In addition, this alteration is predicted to be tolerated by in silico analysis. Since supporting evidence is limited at this time, the clinical significance of this alteration remains unclear.